The following is an entry in ClinVar:

ClinVar aggregate classification (germline): Likely pathogenic. Review status: criteria provided, multiple submitters, no conflicts (2 of 4 stars). 2 submissions from 2 submitters: Likely pathogenic (2). Last evaluated 2024-09-24.

Conditions:
Pontocerebellar hypoplasia type 6 (PCH6). Identifiers: Orphanet 166073, MedGen C1969084, MONDO:0012683, OMIM 611523.

Allele frequency attached by ClinVar (database versions not stated): gnomAD 0.00001; TOPMed 0.00002.
gnomAD v4.1: 1 of 1,613,754 alleles (0.000062%); highest among the groups gnomAD compares: Admixed American, 0.0017%; no homozygotes.

Submissions (2):

Natera, Inc.
Classification: Likely pathogenic for Pontocerebellar hypoplasia, type 6. Last evaluated: 2024-09-24. Review status: criteria provided, single submitter. Criteria: Natera Variant Classification Schema (03/2026). Collection method: clinical testing. Allele origin: germline.
Comment: The c.1549C>T variant in RARS2 is a nonsense variant predicted to introduce a stop codon at amino acid 517. This variant is expected to result in nonsense mediated decay, truncation, or a dysfunctional protein product. This variant is rare in the general population with a frequency below the threshold expected for the associated phenotype(s). Given the available evidence, this variant is classified as Likely Pathogenic.

Baylor Genetics
Classification: Likely pathogenic for Pontocerebellar hypoplasia type 6. Last evaluated: 2023-03-28. Review status: criteria provided, single submitter. Criteria: ACMG Guidelines, 2015. Collection method: clinical testing. Allele origin: unknown.

NM_020320.5(RARS2):c.1549C>T (p.Gln517Ter)

Gene: RARS2 (arginyl-tRNA synthetase 2, mitochondrial; minus strand). Cytogenetic location: 6q15.
Variant type: single nucleotide variant.
Coding change: c.1549C>T on transcript NM_020320.5 (MANE Select); coding-DNA position 1549, C replaced by T.
Protein change: p.Gln517Ter; replaces glutamine 517 with a stop codon.
Molecular consequence: nonsense. On other transcripts: non-coding transcript variant (23).
Genome position (GRCh38, 1-based): chr6:87,516,843, G>A on the plus strand (C>T on the coding strand, the complement: RARS2 is on the minus strand). VCF-style: chr6-87516843-G-A. GRCh37 (hg19) VCF-style: chr6-88226561-G-A.
Other names: c.1024C>T, p.Gln342Ter (NM_001318785.2, NM_001350506.2, NM_001350507.2 and 4 more transcripts); c.1549C>T, p.Gln517Ter (NM_001350505.2); c.1549C>T (NM_020320.4); short protein forms Q342*, Q517*.
Identifiers: ClinVar variation 2678257 (VCV002678257.2), dbSNP rs757088000, ClinGen allele CA364919900.